The following is an entry in ClinVar:

ClinVar aggregate classification (germline): Uncertain significance (1 of 4 stars; one submission).

Conditions:
Spastic paraplegia. Identifiers: MedGen C0037772, HP:0001258.

Submission:

Labcorp Genetics (formerly Invitae), Labcorp
Classification: Uncertain significance for Spastic paraplegia. Last evaluated: 2022-04-24. Review status: criteria provided, single submitter. Criteria: Invitae Variant Classification Sherloc (09022015). Collection method: clinical testing. Allele origin: germline.
Comment: This sequence change replaces lysine, which is basic and polar, with threonine, which is neutral and polar, at codon 599 of the KIF5A protein (p.Lys599Thr). This variant is not present in population databases (gnomAD no frequency). This variant has not been reported in the literature in individuals affected with KIF5A-related conditions. Advanced modeling of protein sequence and biophysical properties (such as structural, functional, and spatial information, amino acid conservation, physicochemical variation, residue mobility, and thermodynamic stability) performed at Invitae indicates that this missense variant is not expected to disrupt KIF5A protein function. In summary, the available evidence is currently insufficient to determine the role of this variant in disease. Therefore, it has been classified as a Variant of Uncertain Significance.

NM_004984.4(KIF5A):c.1796A>C (p.Lys599Thr)

Gene: KIF5A (kinesin family member 5A; plus strand). Cytogenetic location: 12q13.3.
Variant type: single nucleotide variant.
Coding change: c.1796A>C on transcript NM_004984.4 (MANE Select); coding-DNA position 1796, A replaced by C.
Protein change: p.Lys599Thr; replaces lysine 599 with threonine.
Molecular consequence: missense variant.
Genome position (GRCh38, 1-based): chr12:57,575,163, A>C. VCF-style: chr12-57575163-A-C. GRCh37 (hg19) VCF-style: chr12-57968946-A-C.
Other names: c.1529A>C, p.Lys510Thr (NM_001354705.2); short protein forms K599T, K510T.
Identifiers: ClinVar variation 2130305 (VCV002130305.4), dbSNP rs1471037370, ClinGen allele CA385509036.